The following is an entry in ClinVar:

NM_003000.3(SDHB):c.574_582delinsACCAGT (p.Cys192_Thr194delinsThrSer)

Gene: SDHB (succinate dehydrogenase complex iron sulfur subunit B; minus strand). Cytogenetic location: 1p36.13.
Variant type: Indel.
Coding change: c.574_582delinsACCAGT on transcript NM_003000.3 (MANE Select); coding-DNA positions 574 to 582, TGTAGCACC replaced by ACCAGT.
Protein change: p.Cys192_Thr194delinsThrSer.
Molecular consequence: inframe indel.
Genome position (GRCh38, 1-based): chr1:17,024,033-17,024,041, GGTGCTACA replaced by ACTGGT on the plus strand (TGTAGCACC replaced by ACCAGT on the coding strand, the reverse complement: SDHB is on the minus strand). VCF-style: chr1-17024033-GGTGCTACA-ACTGGT. GRCh37 (hg19) VCF-style: chr1-17350528-GGTGCTACA-ACTGGT.
Other names: c.520_528delinsACCAGT, p.Cys174_Thr176delinsThrSer (NM_001407361.1); c.574_582delTGTAGCACCinsACCAGT, p.Cys192_Thr194delinsThrSer (NM_003000.2).
Identifiers: ClinVar variation 3571797 (VCV003571797.1).

ClinVar aggregate classification (germline): Uncertain significance (1 of 4 stars; one submission).

Submission:

Athena Diagnostics
Classification: Uncertain significance. Last evaluated: 2024-04-11. Review status: criteria provided, single submitter. Criteria: Athena Diagnostics Criteria. Collection method: clinical testing. Allele origin: unknown.
Comment: Available data are insufficient to determine the clinical significance of the variant at this time. This variant has been identified in at least one individual tested at Athena Diagnostics with clinical features associated with this gene. This variant has not been reported in large, multi-ethnic general populations.